The following is an entry in ClinVar:

NM_004064.5(CDKN1B):c.442T>C (p.Cys148Arg)

Gene: CDKN1B (cyclin dependent kinase inhibitor 1B; plus strand). Cytogenetic location: 12p13.1.
Variant type: single nucleotide variant.
Coding change: c.442T>C on transcript NM_004064.5 (MANE Select); coding-DNA position 442, T replaced by C.
Protein change: p.Cys148Arg; replaces cysteine 148 with arginine.
Molecular consequence: missense variant.
Genome position (GRCh38, 1-based): chr12:12,718,281, T>C. VCF-style: chr12-12718281-T-C. GRCh37 (hg19) VCF-style: chr12-12871215-T-C.
Other names: short protein forms C148R.
Identifiers: ClinVar variation 1440922 (VCV001440922.10), dbSNP rs775877516, ClinGen allele CA6457497.

ClinVar aggregate classification (germline): Uncertain significance. Review status: criteria provided, multiple submitters, no conflicts (2 of 4 stars). 2 submissions from 2 submitters: Uncertain significance (2). Last evaluated 2025-10-16.

Conditions:
Multiple endocrine neoplasia type 4. Also called: MULTIPLE ENDOCRINE NEOPLASIA, TYPE IV. Identifiers: Orphanet 276152, MedGen C1970712, MONDO:0012552, OMIM 610755.
Hereditary cancer-predisposing syndrome. Also called: Neoplastic Syndromes, Hereditary; Hereditary Cancer Syndrome; Tumor predisposition; Hereditary neoplastic syndrome. Identifiers: Orphanet 140162, MedGen C0027672, MeSH D009386, MONDO:0015356.

Allele frequency attached by ClinVar (database versions not stated): gnomAD exomes below 0.00001; ExAC 0.00001.
gnomAD v4.1: 2 of 1,604,838 alleles (0.00012%); highest among the groups gnomAD compares: South Asian, 0.0022%; no homozygotes.

Submissions (2):

Ambry Genetics
Classification: Uncertain significance for Hereditary cancer-predisposing syndrome. Last evaluated: 2025-10-16. Review status: criteria provided, single submitter. Criteria: Ambry Variant Classification Scheme 2023. Collection method: clinical testing. Allele origin: germline.
Comment: The p.C148R variant (also known as c.442T>C), located in coding exon 1 of the CDKN1B gene, results from a T to C substitution at nucleotide position 442. The cysteine at codon 148 is replaced by arginine, an amino acid with highly dissimilar properties. This amino acid position is well conserved in available vertebrate species. In addition, the in silico prediction for this alteration is inconclusive. Since supporting evidence is limited at this time, the clinical significance of this alteration remains unclear.

Labcorp Genetics (formerly Invitae), Labcorp
Classification: Uncertain significance for Multiple endocrine neoplasia type 4. Last evaluated: 2025-05-11. Review status: criteria provided, single submitter. Criteria: Invitae Variant Classification Sherloc (09022015). Collection method: clinical testing. Allele origin: germline.
Comment: This sequence change replaces cysteine, which is neutral and slightly polar, with arginine, which is basic and polar, at codon 148 of the CDKN1B protein (p.Cys148Arg). This variant is present in population databases (rs775877516, gnomAD 0.003%). This variant has not been reported in the literature in individuals affected with CDKN1B-related conditions. ClinVar contains an entry for this variant (Variation ID: 1440922). An algorithm developed to predict the effect of missense changes on protein structure and function (PolyPhen-2) suggests that this variant is likely to be disruptive. In summary, the available evidence is currently insufficient to determine the role of this variant in disease. Therefore, it has been classified as a Variant of Uncertain Significance.